The following is an entry in ClinVar:

ClinVar aggregate classification (germline): Benign/Likely benign. Review status: criteria provided, multiple submitters, no conflicts (2 of 4 stars). 9 submissions from 9 submitters: Benign (2); Likely benign (3). 4 of the submissions do not count toward it. Last evaluated 2026-09-01.

Conditions:
PLEC-related disorder. Also called: PLEC-related condition; PLEC-related disorders.

Allele frequency attached by ClinVar (database versions not stated): 1000 Genomes Project 0.00319; TOPMed 0.00616; gnomAD 0.00712 and 0.00708; gnomAD exomes 0.00763 and 0.00947; ExAC 0.01161; ESP Exome Variant Server 0.00713; 1000 Genomes Project 30x 0.00344.

Submissions (9):

CeGaT Center for Human Genetics Tuebingen
Classification: Benign. Last evaluated: 2026-09-01. Review status: criteria provided, single submitter. Criteria: CeGaT Center For Human Genetics Tuebingen Variant Classification Criteria Version 2. Collection method: clinical testing. Allele origin: germline. Affected: yes. Observed: 27 variant alleles.
Comment: PLEC: BP4, BP7, BS1, BS2

Blueprint Genetics
Classification: Likely benign. Last evaluated: 2024-11-21. Review status: criteria provided, single submitter. Criteria: ACMG Guidelines, 2015. Collection method: clinical testing. Allele origin: germline.

Athena Diagnostics
Classification: Benign. Last evaluated: 2024-05-07. Review status: criteria provided, single submitter. Criteria: Athena Diagnostics Criteria. Collection method: clinical testing. Allele origin: unknown.

GeneDx
Classification: Likely benign. Last evaluated: 2018-06-26. Review status: criteria provided, single submitter. Criteria: GeneDx Variant Classification Process June 2021. Collection method: clinical testing. Allele origin: germline. Affected: yes.

Breakthrough Genomics
Classification: Likely benign. Review status: criteria provided, single submitter. Criteria: ACMG Guidelines, 2015. Collection method: not provided. Allele origin: germline. Inheritance: Autosomal recessive inheritance. Affected: yes.

PreventionGenetics, part of Exact Sciences
Classification: Benign for PLEC-related condition. Last evaluated: 2019-04-09. Review status: no assertion criteria provided. Collection method: clinical testing. Allele origin: germline. Not counted in ClinVar's aggregate classification.
Comment: This variant is classified as benign based on ACMG/AMP sequence variant interpretation guidelines (Richards et al. 2015 PMID: 25741868, with internal and published modifications).

Clinical Genetics, Academic Medical Center
Classification: Benign. Review status: no assertion criteria provided. Collection method: clinical testing. Allele origin: germline. Affected: yes. Study: VKGL Data-share Consensus. Not counted in ClinVar's aggregate classification.

Diagnostic Laboratory, Department of Genetics, University Medical Center Groningen
Classification: Benign. Review status: no assertion criteria provided. Collection method: clinical testing. Allele origin: germline. Affected: yes. Study: VKGL Data-share Consensus. Not counted in ClinVar's aggregate classification.

Laboratory of Diagnostic Genome Analysis, Leiden University Medical Center (LUMC)
Classification: Likely benign. Review status: no assertion criteria provided. Collection method: clinical testing. Allele origin: germline. Affected: yes. Study: VKGL Data-share Consensus. Not counted in ClinVar's aggregate classification.

NM_201378.4(PLEC):c.71-11718C>T

Gene: PLEC (plectin; minus strand). Cytogenetic location: 8q24.3.
Variant type: single nucleotide variant.
Coding change: c.71-11718C>T on transcript NM_201378.4 (MANE Plus Clinical); 11718 bases into the intron before coding-DNA position 71, C replaced by T.
Molecular consequence: intron variant. On other transcripts: synonymous variant (1).
Genome position (GRCh38, 1-based): chr8:143,950,410, G>A on the plus strand (C>T on the coding strand, the complement: PLEC is on the minus strand). VCF-style: chr8-143950410-G-A. GRCh37 (hg19) VCF-style: chr8-145024578-G-A.
Other names: c.297C>T, p.Arg99= (NM_201380.4); c.194-11718C>T (NM_001410941.1, NM_000445.5); c.46+3316C>T (NM_201379.3).
Identifiers: ClinVar variation 995212 (VCV000995212.42), dbSNP rs190222339, ClinGen allele CA4928973.